The following is an entry in ClinVar:

NM_001378454.1(ALMS1):c.3574T>C (p.Tyr1192His)

Gene: ALMS1 (ALMS1 centrosome and basal body associated protein; plus strand). Cytogenetic location: 2p13.1.
Variant type: single nucleotide variant.
Coding change: c.3574T>C on transcript NM_001378454.1 (MANE Select); coding-DNA position 3574, T replaced by C.
Protein change: p.Tyr1192His; replaces tyrosine 1192 with histidine.
Molecular consequence: missense variant.
Genome position (GRCh38, 1-based): chr2:73,450,101, T>C. VCF-style: chr2-73450101-T-C. GRCh37 (hg19) VCF-style: chr2-73677228-T-C.
Other names: c.3577T>C, p.Tyr1193His (NM_015120.4); short protein forms Y1192H, Y1193H.
Identifiers: ClinVar variation 1358325 (VCV001358325.4), dbSNP rs1553403697, ClinGen allele CA347275942.
Genomic context (GRCh38, chr2:73,450,101, plus strand): 5'-TCAGCTGTTACTGGACCAGGTAACCAGAAGACTTGGATACCAAGAGTACTTTCTACCTTC[T>C]ACTCACAAAGAGAGAAACCTGGTATTTTCTATCAACAGACCTTGCCAGGTAGTCACATAC-3'
Protein context (NP_001365383.1, residues 1182-1202): TWIPRVLSTF[Tyr1192His]SQREKPGIFY

ClinVar aggregate classification (germline): Uncertain significance (1 of 4 stars; one submission).

Conditions:
Alstrom syndrome (ALMS). Identifiers: Orphanet 64, MedGen C0268425, MONDO:0008763, OMIM 203800.

Submission:

Labcorp Genetics (formerly Invitae), Labcorp
Classification: Uncertain significance for Alstrom syndrome. Last evaluated: 2020-12-21. Review status: criteria provided, single submitter. Criteria: Invitae Variant Classification Sherloc (09022015). Collection method: clinical testing. Allele origin: germline.
Comment: This sequence change replaces tyrosine with histidine at codon 1193 of the ALMS1 protein (p.Tyr1193His). The tyrosine residue is weakly conserved and there is a moderate physicochemical difference between tyrosine and histidine. This variant is not present in population databases (ExAC no frequency). In summary, the available evidence is currently insufficient to determine the role of this variant in disease. Therefore, it has been classified as a Variant of Uncertain Significance. Experimental studies and prediction algorithms are not available or were not evaluated, and the functional significance of this variant is currently unknown. This variant has not been reported in the literature in individuals with ALMS1-related conditions.